The following is an entry in ClinVar:

NM_000824.5(GLRB):c.1197+5G>T

Gene: GLRB (glycine receptor beta; plus strand). Cytogenetic location: 4q32.1.
Variant type: single nucleotide variant.
Coding change: c.1197+5G>T on transcript NM_000824.5 (MANE Select); 5 bases into the intron after coding-DNA position 1197, G replaced by T.
Molecular consequence: intron variant.
Genome position (GRCh38, 1-based): chr4:157,153,015, G>T. VCF-style: chr4-157153015-G-T. GRCh37 (hg19) VCF-style: chr4-158074167-G-T.
Other names: c.904+9056G>T (NM_001166061.2); c.1197+5G>T (NM_001166060.2).
Identifiers: ClinVar variation 2045354 (VCV002045354.4), dbSNP rs779269211, ClinGen allele CA3119961.
Genomic context (GRCh38, chr4:157,153,015, plus strand): 5'-CTAAAAAGAATACTGTGAATGGAACAGGGACTCCTGTTCATATTAGCACTTTGCAGGTAA[G>T]GATAAAATTATGCCATGAAATCATTTCCCCCAACCACTTCATAGTGTCAAGAGAGAGACA-3'

ClinVar aggregate classification (germline): Uncertain significance (1 of 4 stars; one submission).

Conditions:
Hyperekplexia 2 (HKPX2). Identifiers: Orphanet 3197, MedGen C3553291, MONDO:0013828, OMIM 614619.

Allele frequency attached by ClinVar (database versions not stated): ExAC 0.00001; gnomAD 0.00001; TOPMed 0.00001.
gnomAD v4.1: 4 of 1,610,060 alleles (0.00025%); highest among the groups gnomAD compares: Non-Finnish European, 0.00034%; no homozygotes.

Submission:

Labcorp Genetics (formerly Invitae), Labcorp
Classification: Uncertain significance for Hyperekplexia 2. Last evaluated: 2024-03-14. Review status: criteria provided, single submitter. Criteria: Invitae Variant Classification Sherloc (09022015). Collection method: clinical testing. Allele origin: germline.
Comment: This sequence change falls in intron 9 of the GLRB gene. It does not directly change the encoded amino acid sequence of the GLRB protein. It affects a nucleotide within the consensus splice site. This variant is present in population databases (rs779269211, gnomAD 0.0009%). This variant has not been reported in the literature in individuals affected with GLRB-related conditions. ClinVar contains an entry for this variant (Variation ID: 2045354). Variants that disrupt the consensus splice site are a relatively common cause of aberrant splicing (PMID: 17576681, 9536098). Algorithms developed to predict the effect of sequence changes on RNA splicing suggest that this variant is not likely to affect RNA splicing. In summary, the available evidence is currently insufficient to determine the role of this variant in disease. Therefore, it has been classified as a Variant of Uncertain Significance.

Literature cited by the submitters: PubMed 17576681; PubMed 9536098.